The following is an entry in ClinVar:

ClinVar aggregate classification (germline): Likely benign (1 of 4 stars; one submission).

gnomAD v4.1: 31 of 1,614,132 alleles (0.0019%); highest among the groups gnomAD compares: African/African-American, 0.02%; 1 homozygote.

Submission:

CeGaT Center for Human Genetics Tuebingen
Classification: Likely benign. Last evaluated: 2025-03-01. Review status: criteria provided, single submitter. Criteria: CeGaT Center For Human Genetics Tuebingen Variant Classification Criteria Version 2. Collection method: clinical testing. Allele origin: germline. Affected: yes. Observed: 1 variant allele.
Comment: CEP85L: BP4, BP7

NM_001042475.3(CEP85L):c.606C>T (p.Ser202=)

Gene: CEP85L (centrosomal protein 85L; minus strand). Cytogenetic location: 6q22.31.
Variant type: single nucleotide variant.
Coding change: c.606C>T on transcript NM_001042475.3 (MANE Select); coding-DNA position 606, C replaced by T.
Protein change: p.Ser202=; no amino-acid change (serine 202 retained).
Molecular consequence: synonymous variant.
Genome position (GRCh38, 1-based): chr6:118,565,943, G>A on the plus strand (C>T on the coding strand, the complement: CEP85L is on the minus strand). VCF-style: chr6-118565943-G-A. GRCh37 (hg19) VCF-style: chr6-118887106-G-A.
Other names: c.615C>T, p.Ser205= (NM_001178035.2); c.606C>T, p.Ser202= (NM_206921.3).
Identifiers: ClinVar variation 3778158 (VCV003778158.7).